The following is an entry in ClinVar:

NM_013275.6(ANKRD11):c.3431C>A (p.Pro1144Gln)

Gene: ANKRD11 (ankyrin repeat domain 11; minus strand). Cytogenetic location: 16q24.3.
Variant type: single nucleotide variant.
Coding change: c.3431C>A on transcript NM_013275.6 (MANE Select); coding-DNA position 3431, C replaced by A.
Protein change: p.Pro1144Gln; replaces proline 1144 with glutamine.
Molecular consequence: missense variant.
Genome position (GRCh38, 1-based): chr16:89,283,111, G>T on the plus strand (C>A on the coding strand, the complement: ANKRD11 is on the minus strand). VCF-style: chr16-89283111-G-T. GRCh37 (hg19) VCF-style: chr16-89349519-G-T.
Other names: c.3431C>A, p.Pro1144Gln (NM_001256182.2, NM_001256183.2); short protein forms P1144Q.
Identifiers: ClinVar variation 2909650 (VCV002909650.4), dbSNP rs137894790, ClinGen allele CA8242366.
Genomic context (GRCh38, chr16:89,283,111, plus strand): 5'-TGTCTGTCGGAGGCATAGGCCTCCCGTCCTTCCTCCTTCTCCTGGAGGCCGTCCGTCCTC[G>T]GCAAGTCGCTGGCCTCTCCCATCTTGAACCCGCTCCCCATGCAGCTGTCTCTGTCGTCCT-3'
Protein context (NP_037407.4, residues 1134-1154): GFKMGEASDL[Pro1144Gln]RTDGLQEKEE

ClinVar aggregate classification (germline): Uncertain significance. Review status: criteria provided, multiple submitters, no conflicts (2 of 4 stars). 2 submissions from 2 submitters: Uncertain significance (2). Last evaluated 2023-02-03.

Conditions:
KBG syndrome (KBGS). Also called: ANKRD11-Related KBG Syndrome. Identifiers: Orphanet 2332, MedGen C0220687, MONDO:0007846, OMIM 148050.

gnomAD v4.1: 43 of 1,613,742 alleles (0.0027%); highest among the groups gnomAD compares: Non-Finnish European, 0.003%; no homozygotes.

Submissions (2):

Labcorp Genetics (formerly Invitae), Labcorp
Classification: Uncertain significance for KBG syndrome. Last evaluated: 2023-02-03. Review status: criteria provided, single submitter. Criteria: Invitae Variant Classification Sherloc (09022015). Collection method: clinical testing. Allele origin: germline.
Comment: This variant has not been reported in the literature in individuals affected with ANKRD11-related conditions. This sequence change replaces proline, which is neutral and non-polar, with glutamine, which is neutral and polar, at codon 1144 of the ANKRD11 protein (p.Pro1144Gln). This variant is present in population databases (rs137894790, gnomAD 0.002%). Advanced modeling of protein sequence and biophysical properties (such as structural, functional, and spatial information, amino acid conservation, physicochemical variation, residue mobility, and thermodynamic stability) performed at Invitae indicates that this missense variant is not expected to disrupt ANKRD11 protein function. In summary, the available evidence is currently insufficient to determine the role of this variant in disease. Therefore, it has been classified as a Variant of Uncertain Significance.

Department of Pathology and Laboratory Medicine, Sinai Health System
Classification: Uncertain significance for KBG syndrome. Last evaluated: 2021-07-30. Review status: criteria provided, single submitter. Criteria: ACMG Guidelines, 2015. Collection method: research. Allele origin: germline.